The following is an entry in ClinVar:

NM_007215.4(POLG2):c.982C>T (p.Arg328Ter)

Genes: MILR1 (mast cell immunoglobulin like receptor 1; plus strand), POLG2 (DNA polymerase gamma 2, accessory subunit; minus strand). Cytogenetic location: 17q23.3.
Variant type: single nucleotide variant.
Coding change: c.982C>T on transcript NM_007215.4 (MANE Select); coding-DNA position 982, C replaced by T.
Protein change: p.Arg328Ter; replaces arginine 328 with a stop codon.
Molecular consequence: nonsense.
Genome position (GRCh38, 1-based): chr17:64,485,856, G>A on the plus strand (C>T on the coding strand, the complement: POLG2 is on the minus strand). VCF-style: chr17-64485856-G-A. GRCh37 (hg19) VCF-style: chr17-62481973-G-A.
Other names: short protein forms R328*.
Identifiers: ClinVar variation 2978960 (VCV002978960.3), dbSNP rs782472762, ClinGen allele CA8712869.
Genomic context (GRCh38, chr17:64,485,856, plus strand): 5'-CCAGCATGCCTCGGTCTAGGTCCCCATTTACAGAGAGAACACAAGGAACCACATTTTTTC[G>A]TCCATCTCGGCCCTTCACAGAAAAACAGAAGAAAAATAATCATTTCACAGAACTTTTTTT-3'

ClinVar aggregate classification (germline): Pathogenic (1 of 4 stars; one submission).

Allele frequency attached by ClinVar (database versions not stated): ExAC 0.00001; gnomAD 0.00001; gnomAD exomes 0.00002.
gnomAD v4.1: 32 of 1,613,756 alleles (0.002%); highest among the groups gnomAD compares: Non-Finnish European, 0.0025%; no homozygotes.

Submission:

Labcorp Genetics (formerly Invitae), Labcorp
Classification: Pathogenic. Last evaluated: 2024-02-23. Review status: criteria provided, single submitter. Criteria: Invitae Variant Classification Sherloc (09022015). Collection method: clinical testing. Allele origin: germline.
Comment: This sequence change creates a premature translational stop signal (p.Arg328*) in the POLG2 gene. It is expected to result in an absent or disrupted protein product. Loss-of-function variants in POLG2 are known to be pathogenic (PMID: 28078310, 29625556). This variant is present in population databases (rs782472762, gnomAD 0.002%). This variant has not been reported in the literature in individuals affected with POLG2-related conditions. Algorithms developed to predict the effect of sequence changes on RNA splicing suggest that this variant may disrupt the consensus splice site. For these reasons, this variant has been classified as Pathogenic.

Literature cited by the submitters: PubMed 28078310; PubMed 29625556.